The following is an entry in ClinVar:

NM_139276.3(STAT3):c.309G>C (p.Arg103=)

Gene: STAT3 (signal transducer and activator of transcription 3; minus strand). Cytogenetic location: 17q21.2.
Variant type: single nucleotide variant.
Coding change: c.309G>C on transcript NM_139276.3 (MANE Select); coding-DNA position 309, G replaced by C.
Protein change: p.Arg103=; no amino-acid change (arginine 103 retained).
Molecular consequence: synonymous variant. On other transcripts: intron variant (1).
Genome position (GRCh38, 1-based): chr17:42,345,622, C>G on the plus strand (G>C on the coding strand, the complement: STAT3 is on the minus strand). VCF-style: chr17-42345622-C-G. GRCh37 (hg19) VCF-style: chr17-40497640-C-G.
Other names: p.Arg103=; c.309G>C, p.Arg103= (NM_001369512.1, NM_001369513.1, NM_001369514.1 and 16 more transcripts); c.274-43G>C (NM_001384985.1).
Identifiers: ClinVar variation 717039 (VCV000717039.12), dbSNP rs17880940, ClinGen allele CA8575669.
Genomic context (GRCh38, chr17:42,345,622, plus strand): 5'-GGCCGCAGTGGCTGCAGTCTGTAGAAGGCGTGATTCTTCCCACAGGCACCGGGCCACAAT[C>G]CGGGCAATCTCCATTGGCTTCTCAAGATACCTGCTCTATAAGTAGGAGAGAAAGAGAATA-3'
Protein context (NP_644805.1, residues 93-113): RYLEKPMEIA[Arg103=]IVARCLWEES

ClinVar aggregate classification (germline): Likely benign. Review status: criteria provided, multiple submitters, no conflicts (2 of 4 stars). 3 submissions from 3 submitters: Likely benign (3). Last evaluated 2025-12-03.

Conditions:
Hyper-IgE recurrent infection syndrome 1, autosomal dominant. Also called: Hyper-IgE recurrent infection syndrome 1; HYPER-IgE SYNDROME 1, AUTOSOMAL DOMINANT, WITH RECURRENT INFECTIONS; Job's Syndrome; STAT3 Hyper IgE Syndrome; JOB SYNDROME. Identifiers: Orphanet 2314, MedGen C2936739, MONDO:0007818, OMIM 147060.
STAT3 gain of function. Identifiers: MedGen C4288261.

Allele frequency attached by ClinVar (database versions not stated): ESP Exome Variant Server 0.00008; gnomAD 0.00015 and 0.00017; TOPMed 0.00019.
gnomAD v4.1: 36 of 1,608,350 alleles (0.0022%); highest among the groups gnomAD compares: African/African-American, 0.047%; no homozygotes.

Submissions (3):

Mayo Clinic Laboratories, Mayo Clinic
Classification: Likely benign. Last evaluated: 2025-12-03. Review status: criteria provided, single submitter. Criteria: ACMG Guidelines, 2015. Collection method: clinical testing. Allele origin: germline. Observed: 1 variant allele.
Comment: BS1, BP4, BP7

Labcorp Genetics (formerly Invitae), Labcorp
Classification: Likely benign for STAT3 gain of function; Hyper-IgE recurrent infection syndrome 1, autosomal dominant. Last evaluated: 2025-09-09. Review status: criteria provided, single submitter. Criteria: Invitae Variant Classification Sherloc (09022015). Collection method: clinical testing. Allele origin: germline.

Breakthrough Genomics
Classification: Likely benign. Review status: criteria provided, single submitter. Criteria: ACMG Guidelines, 2015. Collection method: not provided. Allele origin: germline. Inheritance: Autosomal dominant inheritance. Affected: yes.